The following is an entry in ClinVar:

NM_032634.4(PIGO):c.779+92G>C

Gene: PIGO (phosphatidylinositol glycan anchor biosynthesis class O; minus strand). Cytogenetic location: 9p13.3.
Variant type: single nucleotide variant.
Coding change: c.779+92G>C on transcript NM_032634.4 (MANE Select); 92 bases into the intron after coding-DNA position 779, G replaced by C.
Molecular consequence: intron variant.
Genome position (GRCh38, 1-based): chr9:35,093,809, C>G on the plus strand (G>C on the coding strand, the complement: PIGO is on the minus strand). VCF-style: chr9-35093809-C-G. GRCh37 (hg19) VCF-style: chr9-35093806-C-G.
Other names: c.779+92G>C (NM_152850.4, NM_001201484.2).
Identifiers: ClinVar variation 672890 (VCV000672890.2), dbSNP rs58684907, ClinGen allele CA192714968.
Genomic context (GRCh38, chr9:35,093,809, plus strand): 5'-ACACATTGAGTTAATCAAGATGGATGGAGCCTCTAGCTTCAGCAGAAGGCCTAGAGAAGA[C>G]AGAATTCAGCCAGGAAAGAAGCTCTAAGATAAGAGCTTCTTCGAGATTCTCAGACACAAA-3'

ClinVar aggregate classification (germline): Benign. Review status: criteria provided, multiple submitters, no conflicts (2 of 4 stars). 2 submissions from 2 submitters: Benign (2). Last evaluated 2018-06-14.

Allele frequency attached by ClinVar (database versions not stated): gnomAD 0.05832 and 0.05997; TOPMed 0.06471; 1000 Genomes Project 0.08347; 1000 Genomes Project 30x 0.08776.
gnomAD v4.1: 25,384 of 1,553,584 alleles (1.6%); highest among the groups gnomAD compares: African/African-American, 19%; 1,720 homozygotes.

Submissions (2):

GeneDx
Classification: Benign. Last evaluated: 2018-06-14. Review status: criteria provided, single submitter. Criteria: GeneDx Variant Classification (06012015). Collection method: clinical testing. Allele origin: germline. Affected: yes.
Comment: This variant is considered likely benign or benign based on one or more of the following criteria: it is a conservative change, it occurs at a poorly conserved position in the protein, it is predicted to be benign by multiple in silico algorithms, and/or has population frequency not consistent with disease.

Breakthrough Genomics
Classification: Benign. Review status: criteria provided, single submitter. Criteria: ACMG Guidelines, 2015. Collection method: not provided. Allele origin: germline. Inheritance: Autosomal recessive inheritance. Affected: yes.